The following is an entry in ClinVar:

NM_001370259.2(MEN1):c.410G>C (p.Arg137Pro)

Gene: MEN1 (menin 1; minus strand). Cytogenetic location: 11q13.1.
Variant type: single nucleotide variant.
Coding change: c.410G>C on transcript NM_001370259.2 (MANE Select); coding-DNA position 410, G replaced by C.
Protein change: p.Arg137Pro; replaces arginine 137 with proline.
Molecular consequence: missense variant. On other transcripts: non-coding transcript variant (4).
Genome position (GRCh38, 1-based): chr11:64,809,700, C>G on the plus strand (G>C on the coding strand, the complement: MEN1 is on the minus strand). VCF-style: chr11-64809700-C-G. GRCh37 (hg19) VCF-style: chr11-64577172-C-G.
Other names: c.410G>C, p.Arg137Pro (NM_130800.3, NM_130801.3, NM_130802.3 and 20 more transcripts); short protein forms R137P.
Identifiers: ClinVar variation 4106545 (VCV004106545.3).
Genomic context (GRCh38, chr11:64,809,700, plus strand): 5'-AGATTCCCACCTACTGGGCTCCAACCTGTGATGAAGCTGAAGAGGGACTGGATGTGGGCC[C>G]GATCCTTGAAGTAGGAGCGGCTGAGGCTGTTCCATATGACATCGGAGACCTTCTTCACCA-3'
Protein context (NP_001357188.2, residues 127-147): NSLSRSYFKD[Arg137Pro]AHIQSLFSFI

ClinVar aggregate classification (germline): Uncertain significance. Review status: criteria provided, multiple submitters, no conflicts (2 of 4 stars). 2 submissions from 2 submitters: Uncertain significance (2). Last evaluated 2026-06-03.

Conditions:
Multiple endocrine neoplasia, type 1 (MEN1). Also called: MEN I; WERMER SYNDROME; Endocrine adenomatosis multiple; MEN 1; MEA I. Identifiers: Orphanet 652, MedGen C0025267, MeSH D018761, MONDO:0007540, OMIM 131100.
Hereditary cancer-predisposing syndrome. Also called: Neoplastic Syndromes, Hereditary; Tumor predisposition; Hereditary Cancer Syndrome; Hereditary neoplastic syndrome. Identifiers: Orphanet 140162, MedGen C0027672, MeSH D009386, MONDO:0015356.

Submissions (2):

Ambry Genetics
Classification: Uncertain significance for Hereditary cancer-predisposing syndrome. Last evaluated: 2026-06-03. Review status: criteria provided, single submitter. Criteria: Ambry Variant Classification Scheme 2023. Collection method: clinical testing. Allele origin: germline.
Comment: The p.R137P variant (also known as c.410G>C), located in coding exon 1 of the MEN1 gene, results from a G to C substitution at nucleotide position 410. The arginine at codon 137 is replaced by proline, an amino acid with dissimilar properties. This amino acid position is conserved. In addition, this alteration is predicted to be deleterious by in silico analysis. Based on the available evidence, the clinical significance of this variant remains unclear.

Labcorp Genetics (formerly Invitae), Labcorp
Classification: Uncertain significance for Multiple endocrine neoplasia, type 1. Last evaluated: 2025-11-23. Review status: criteria provided, single submitter. Criteria: Invitae Variant Classification Sherloc (09022015). Collection method: clinical testing. Allele origin: germline.
Comment: This sequence change replaces arginine, which is basic and polar, with proline, which is neutral and non-polar, at codon 137 of the MEN1 protein (p.Arg137Pro). This variant is not present in population databases (gnomAD no frequency). This variant has not been reported in the literature in individuals affected with MEN1-related conditions. ClinVar contains an entry for this variant (Variation ID: 4106545). Invitae Evidence Modeling of protein sequence and biophysical properties (such as structural, functional, and spatial information, amino acid conservation, physicochemical variation, residue mobility, and thermodynamic stability) indicates that this missense variant is expected to disrupt MEN1 protein function with a positive predictive value of 95%. In summary, the available evidence is currently insufficient to determine the role of this variant in disease. Therefore, it has been classified as a Variant of Uncertain Significance.